The following is an entry in ClinVar:

NM_058004.4(PI4KA):c.742G>T (p.Glu248Ter)

Gene: PI4KA (phosphatidylinositol 4-kinase alpha; minus strand). Cytogenetic location: 22q11.21.
Variant type: single nucleotide variant.
Coding change: c.742G>T on transcript NM_058004.4 (MANE Select); coding-DNA position 742, G replaced by T.
Protein change: p.Glu248Ter; replaces glutamic acid 248 with a stop codon.
Molecular consequence: nonsense.
Genome position (GRCh38, 1-based): chr22:20,819,688, C>A on the plus strand (G>T on the coding strand, the complement: PI4KA is on the minus strand). VCF-style: chr22-20819688-C-A. GRCh37 (hg19) VCF-style: chr22-21173976-C-A.
Other names: c.742G>T, p.Glu248Ter (NM_001362862.2, NM_001362863.2); short protein forms E248*.
Identifiers: ClinVar variation 2443469 (VCV002443469.1), dbSNP rs2518354150, ClinGen allele CA410764458.

ClinVar aggregate classification (germline): Uncertain significance (1 of 4 stars; one submission).

Submission:

GeneDx
Classification: Uncertain significance. Last evaluated: 2022-09-07. Review status: criteria provided, single submitter. Criteria: GeneDx Variant Classification Process June 2021. Collection method: clinical testing. Allele origin: germline. Affected: yes.
Comment: Not observed at significant frequency in large population cohorts (gnomAD); Nonsense variant predicted to result in protein truncation or nonsense mediated decay in a gene or region of a gene for which loss of function is not a well-established mechanism of disease; Has not been previously published as pathogenic or benign to our knowledge